The following is an entry in ClinVar:

NM_001127898.4(CLCN5):c.1609C>T (p.Arg537Ter)

Gene: CLCN5 (Cl-/H+ antiporter 5; plus strand). Cytogenetic location: Xp11.23.
Variant type: single nucleotide variant.
Coding change: c.1609C>T on transcript NM_001127898.4 (MANE Select); coding-DNA position 1609, C replaced by T.
Protein change: p.Arg537Ter; replaces arginine 537 with a stop codon.
Molecular consequence: nonsense.
Genome position (GRCh38, 1-based): chrX:50,088,749, C>T. VCF-style: chrX-50088749-C-T. GRCh37 (hg19) VCF-style: chrX-49853406-C-T.
Other names: c.1399C>T, p.Arg467Ter (NM_000084.5); c.1609C>T, p.Arg537Ter (NM_001127899.4); c.1459C>T, p.Arg487Ter (NM_001282163.2); short protein forms R467*, R537*, R487*.
Identifiers: ClinVar variation 207997 (VCV000207997.8), dbSNP rs797044811, ClinGen allele CA347319.
Genomic context (GRCh38, chrX:50,088,749, plus strand): 5'-TCTTTGCAGATCCCTTCTGGCCTCTTTATCCCTAGCATGGCTGTTGGTGCTATAGCAGGT[C>T]GACTTCTAGGAGTAGGAATGGAACAGCTGGCTTATTACCACCAGGAATGGACCGTCTTCA-3'

ClinVar aggregate classification (germline): Pathogenic. Review status: criteria provided, multiple submitters, no conflicts (2 of 4 stars). 7 submissions from 7 submitters: Pathogenic (3). 4 of the submissions do not count toward it. Last evaluated 2023-11-08.

Conditions:
CLCN5-related disorder. Also called: CLCN5-related condition.
Dent disease type 1 (DENT1). Also called: NEPHROLITHIASIS 2; NEPHROLITHIASIS, HYPERCALCIURIC, X-LINKED. Identifiers: Orphanet 1652, Orphanet 93622, MedGen C1848336, MONDO:0010225, OMIM 300009.

Allele frequency attached by ClinVar (database versions not stated): gnomAD exomes below 0.00001.
gnomAD v4.1: 1 of 1,211,210 alleles (0.000083%); highest among the groups gnomAD compares: Non-Finnish European, 0.00011%; no homozygotes.

Submissions (7):

Blueprint Genetics
Classification: Pathogenic for CLCN5-related disorders. Last evaluated: 2023-11-08. Review status: criteria provided, single submitter. Criteria: ACMG Guidelines, 2015. Collection method: clinical testing. Allele origin: germline. Affected: yes. Observed: 2 variant alleles.

GeneDx
Classification: Pathogenic. Last evaluated: 2022-12-30. Review status: criteria provided, single submitter. Criteria: GeneDx Variant Classification Process June 2021. Collection method: clinical testing. Allele origin: germline. Affected: yes.
Comment: Nonsense variant predicted to result in protein truncation or nonsense mediated decay in a gene for which loss-of-function is a known mechanism of disease; Not observed at significant frequency in large population cohorts (gnomAD); This variant is associated with the following publications: (PMID: 30586318, 25525159, 29084614, 15895257, 31597132, 16822791, 18184518, 31674016, 19076289, 20654030, 25907713, 19546586, 31328266, 32860533)

Laboratorio de Genetica e Diagnostico Molecular, Hospital Israelita Albert Einstein
Classification: Pathogenic for Dent disease type 1. Last evaluated: 2022-08-24. Review status: criteria provided, single submitter. Criteria: ACMG Guidelines, 2015. Collection method: clinical testing. Allele origin: germline. Affected: yes. Observed: 1 variant allele.
Comment: ACMG classification criteria: PVS1 very strong, PS4 strong, PM2 moderated, PP1 supporting

Gharavi Laboratory, Columbia University
Classification: Pathogenic. Last evaluated: 2018-09-16. Review status: no assertion criteria provided. Criteria: ACMG Guidelines, 2015. Collection method: research. Allele origin: germline. Affected: yes. Not counted in ClinVar's aggregate classification.

GeneReviews
No classification provided. Condition: Dent disease type 1. Review status: no classification provided. Collection method: literature only. Allele origin: germline. Affected: yes. Not counted in ClinVar's aggregate classification.

Joint Genome Diagnostic Labs from Nijmegen and Maastricht, Radboudumc and MUMC+
Classification: Pathogenic. Review status: no assertion criteria provided. Collection method: clinical testing. Allele origin: germline. Affected: yes. Study: VKGL Data-share Consensus. Not counted in ClinVar's aggregate classification.

Laboratory of Diagnostic Genome Analysis, Leiden University Medical Center (LUMC)
Classification: Likely pathogenic. Review status: no assertion criteria provided. Collection method: clinical testing. Allele origin: germline. Affected: yes. Study: VKGL Data-share Consensus. Not counted in ClinVar's aggregate classification.

Literature cited by the submitters: PubMed 15895257 (cited by GeneReviews); PubMed 16822791 (cited by GeneReviews); PubMed 18184518 (cited by GeneReviews); PubMed 19546586 (cited by GeneReviews); PubMed 19076289 (cited by GeneReviews); NCBI Bookshelf NBK99494 (cited by GeneReviews).